The following is an entry in ClinVar:

ClinVar aggregate classification (germline): Likely benign (1 of 4 stars; one submission).

Allele frequency attached by ClinVar (database versions not stated): ESP Exome Variant Server 0.00008; gnomAD exomes 0.00019; TOPMed 0.00019; ExAC 0.00024; gnomAD 0.00030; 1000 Genomes Project 30x 0.00031; 1000 Genomes Project 0.00040.
gnomAD v4.1: 311 of 1,614,004 alleles (0.019%); highest among the groups gnomAD compares: Non-Finnish European, 0.02%; no homozygotes.

Submission:

CeGaT Center for Human Genetics Tuebingen
Classification: Likely benign. Last evaluated: 2022-11-01. Review status: criteria provided, single submitter. Criteria: CeGaT Center For Human Genetics Tuebingen Variant Classification Criteria Version 2. Collection method: clinical testing. Allele origin: germline. Affected: yes. Observed: 1 variant allele.
Comment: PLCD4: BP4, BP7

NM_032726.4(PLCD4):c.129C>T (p.Asp43=)

Gene: PLCD4 (phospholipase C delta 4; plus strand). Cytogenetic location: 2q35.
Variant type: single nucleotide variant.
Coding change: c.129C>T on transcript NM_032726.4 (MANE Select); coding-DNA position 129, C replaced by T.
Protein change: p.Asp43=; no amino-acid change (aspartic acid 43 retained).
Molecular consequence: synonymous variant.
Genome position (GRCh38, 1-based): chr2:218,616,010, C>T. VCF-style: chr2-218616010-C-T. GRCh37 (hg19) VCF-style: chr2-219480733-C-T.
Identifiers: ClinVar variation 2651881 (VCV002651881.24), dbSNP rs200031671, ClinGen allele CA2107846.